The following is an entry in ClinVar:

NM_004859.4(CLTC):c.3065+6C>T

Gene: CLTC (clathrin heavy chain; plus strand). Cytogenetic location: 17q23.1.
Variant type: single nucleotide variant.
Coding change: c.3065+6C>T on transcript NM_004859.4 (MANE Select); 6 bases into the intron after coding-DNA position 3065, C replaced by T.
Molecular consequence: intron variant.
Genome position (GRCh38, 1-based): chr17:59,681,063, C>T. VCF-style: chr17-59681063-C-T. GRCh37 (hg19) VCF-style: chr17-57758424-C-T.
Other names: c.3077+6C>T (NM_001288653.2).
Identifiers: ClinVar variation 4765282 (VCV004765282.1).
Genomic context (GRCh38, chr17:59,681,063, plus strand): 5'-TCATTGAACTGCTGGAGAAAATTGTCCTTGATAACTCTGTATTCAGTGAACACAGGTATG[C>T]TTTCAGAGGGATCCATTGGCTATTTATAGTCAGTCTTTAATAAATTATGGCCCATCAGTT-3'

ClinVar aggregate classification (germline): Uncertain significance (1 of 4 stars; one submission).

gnomAD v4.1: 5 of 1,612,462 alleles (0.00031%); highest among the groups gnomAD compares: African/African-American, 0.0067%; no homozygotes.

Submission:

Labcorp Genetics (formerly Invitae), Labcorp
Classification: Uncertain significance. Last evaluated: 2026-01-21. Review status: criteria provided, single submitter. Criteria: Invitae Variant Classification Sherloc (09022015). Collection method: clinical testing. Allele origin: germline.
Comment: This sequence change falls in intron 19 of the CLTC gene. It does not directly change the encoded amino acid sequence of the CLTC protein. It affects a nucleotide within the consensus splice site. This variant is present in population databases (no rsID available, gnomAD 0.008%). This variant has not been reported in the literature in individuals affected with CLTC-related conditions. Variants that disrupt the consensus splice site are a relatively common cause of aberrant splicing (PMID: 17576681, 9536098). Algorithms developed to predict the effect of sequence changes on RNA splicing suggest that this variant is not likely to affect RNA splicing. In summary, the available evidence is currently insufficient to determine the role of this variant in disease. Therefore, it has been classified as a Variant of Uncertain Significance.

Literature cited by the submitters: PubMed 17576681; PubMed 9536098.